The following is an entry in ClinVar:

ClinVar aggregate classification (germline): Pathogenic. Review status: criteria provided, single submitter (1 of 4 stars). 2 submissions from 2 submitters: Pathogenic (1). 1 of the submissions does not count toward it. Last evaluated 2019-04-03.

Conditions:
Epithelial recurrent erosion dystrophy (ERED). Also called: CORNEAL EROSIONS, RECURRING HEREDITARY. Identifiers: Orphanet 293381, MedGen C1852551, MONDO:0007381, OMIM 122400.
Amelogenesis imperfecta type 1A. Also called: Amelogenesis imperfecta local hypoplastic; Amelogenesis imperfecta, hypoplastic type; Amelogenesis imperfecta, type IA; AMELOGENESIS IMPERFECTA, HYPOPLASTIC TYPE IA. Identifiers: Orphanet 88661, MedGen C4011403, MONDO:0007094, OMIM 104530.

Allele frequency attached by ClinVar (database versions not stated): gnomAD exomes below 0.00001; TOPMed below 0.00001; gnomAD 0.00001.

Submissions (2):

Centre for Mendelian Genomics, University Medical Centre Ljubljana
Classification: Pathogenic for Epithelial recurrent erosion dystrophy. Last evaluated: 2019-04-03. Review status: criteria provided, single submitter. Criteria: ACMG Guidelines, 2015. Collection method: clinical testing. Allele origin: unknown. Affected: yes.
Comment: This variant was classified as: Pathogenic. The following ACMG criteria were applied in classifying this variant: PVS1,PM2,PP4.

Leeds Amelogenesis Imperfecta Research Group, University of Leeds
Classification: Pathogenic for Amelogenesis imperfecta type 1A. Last evaluated: 2023-07-12. Review status: no assertion criteria provided. Collection method: research. Allele origin: unknown. Inheritance: Autosomal dominant inheritance. Affected: yes. Not counted in ClinVar's aggregate classification.

NM_000494.4(COL17A1):c.460C>T (p.Arg154Ter)

Gene: COL17A1 (collagen type XVII alpha 1 chain; minus strand). Cytogenetic location: 10q25.1.
Variant type: single nucleotide variant.
Coding change: c.460C>T on transcript NM_000494.4 (MANE Select); coding-DNA position 460, C replaced by T.
Protein change: p.Arg154Ter; replaces arginine 154 with a stop codon.
Molecular consequence: nonsense.
Genome position (GRCh38, 1-based): chr10:104,072,035, G>A on the plus strand (C>T on the coding strand, the complement: COL17A1 is on the minus strand). VCF-style: chr10-104072035-G-A. GRCh37 (hg19) VCF-style: chr10-105831793-G-A.
Other names: short protein forms R154*.
Identifiers: ClinVar variation 931124 (VCV000931124.5), dbSNP rs1564685400, ClinGen allele CA378079768.